The following is an entry in ClinVar:

NM_080632.3(UPF3B):c.1372A>G (p.Ser458Gly)

Gene: UPF3B (UPF3B regulator of nonsense mediated mRNA decay; minus strand). Cytogenetic location: Xq24.
Variant type: single nucleotide variant.
Coding change: c.1372A>G on transcript NM_080632.3 (MANE Select); coding-DNA position 1372, A replaced by G.
Protein change: p.Ser458Gly; replaces serine 458 with glycine.
Molecular consequence: missense variant.
Genome position (GRCh38, 1-based): chrX:119,834,958, T>C on the plus strand (A>G on the coding strand, the complement: UPF3B is on the minus strand). VCF-style: chrX-119834958-T-C. GRCh37 (hg19) VCF-style: chrX-118968921-T-C.
Other names: c.1333A>G, p.Ser445Gly (NM_023010.4); short protein forms S445G, S458G.
Identifiers: ClinVar variation 2635742 (VCV002635742.5), dbSNP rs367726987, ClinGen allele CA10503137.

ClinVar aggregate classification (germline): Uncertain significance. Review status: criteria provided, multiple submitters, no conflicts (2 of 4 stars). 3 submissions from 3 submitters: Uncertain significance (3). Last evaluated 2026-06-17.

Conditions:
UPF3B-related disorder. Also called: UPF3B-related condition.
Intellectual developmental disorder, X-linked, syndromic 14. Also called: Syndromic X-linked intellectual disability 14. Identifiers: Orphanet 776, MedGen C1970822, MONDO:0010398, OMIM 300676.

Allele frequency attached by ClinVar (database versions not stated): gnomAD exomes below 0.00001; gnomAD 0.00004; ExAC 0.00005; ESP Exome Variant Server 0.00009; TOPMed 0.00012.
gnomAD v4.1: 11 of 1,210,588 alleles (0.00091%); highest among the groups gnomAD compares: African/African-American, 0.016%; no homozygotes.

Submissions (3):

Women's Health and Genetics/Laboratory Corporation of America, LabCorp
Classification: Uncertain significance. Last evaluated: 2026-06-17. Review status: criteria provided, single submitter. Criteria: LabCorp Variant Classification Summary - May 2015. Collection method: clinical testing. Allele origin: germline.
Comment: Variant summary: UPF3B c.1372A>G (p.Ser458Gly) results in a non-conservative amino acid change in the encoded protein sequence. Algorithms developed to predict the effect of missense changes on protein structure and function are either unavailable or do not agree on the potential impact of this missense change. The variant allele was found at a frequency of 2.2e-05 in 183509 control chromosomes. The available data on variant occurrences in the general population are insufficient to allow any conclusion about variant significance. To our knowledge, no occurrence of c.1372A>G in individuals affected with UPF3B-related conditions and no experimental evidence demonstrating its impact on protein function have been reported. ClinVar contains an entry for this variant (Variation ID: 2635742). Based on the evidence outlined above, the variant was classified as uncertain significance.

Labcorp Genetics (formerly Invitae), Labcorp
Classification: Uncertain significance for Intellectual developmental disorder, X-linked, syndromic 14. Last evaluated: 2023-08-31. Review status: criteria provided, single submitter. Criteria: Invitae Variant Classification Sherloc (09022015). Collection method: clinical testing. Allele origin: germline.
Comment: In summary, the available evidence is currently insufficient to determine the role of this variant in disease. Therefore, it has been classified as a Variant of Uncertain Significance. Advanced modeling of protein sequence and biophysical properties (such as structural, functional, and spatial information, amino acid conservation, physicochemical variation, residue mobility, and thermodynamic stability) performed at Invitae indicates that this missense variant is not expected to disrupt UPF3B protein function. This variant has not been reported in the literature in individuals affected with UPF3B-related conditions. This variant is present in population databases (rs367726987, gnomAD 0.02%). This sequence change replaces serine, which is neutral and polar, with glycine, which is neutral and non-polar, at codon 458 of the UPF3B protein (p.Ser458Gly).

PreventionGenetics, part of Exact Sciences
Classification: Uncertain significance for UPF3B-related condition. Last evaluated: 2022-09-26. Review status: criteria provided, single submitter. Criteria: ACMG Guidelines, 2015. Collection method: clinical testing. Allele origin: germline.
Comment: The UPF3B c.1372A>G variant is predicted to result in the amino acid substitution p.Ser458Gly. To our knowledge, this variant has not been reported in the literature. This variant is reported in 0.021% of alleles in individuals of African descent in gnomAD. At this time, the clinical significance of this variant is uncertain due to the absence of conclusive functional and genetic evidence.